The following is an entry in ClinVar:

NM_001267550.2(TTN):c.33663A>G (p.Lys11221=)

Gene: TTN (titin; minus strand). Cytogenetic location: 2q31.2.
Variant type: single nucleotide variant.
Coding change: c.33663A>G on transcript NM_001267550.2 (MANE Select); coding-DNA position 33663, A replaced by G.
Protein change: p.Lys11221=; no amino-acid change (lysine 11221 retained).
Molecular consequence: synonymous variant. On other transcripts: intron variant (3).
Genome position (GRCh38, 1-based): chr2:178,679,600, T>C on the plus strand (A>G on the coding strand, the complement: TTN is on the minus strand). VCF-style: chr2-178679600-T-C. GRCh37 (hg19) VCF-style: chr2-179544327-T-C.
Other names: c.32712A>G, p.Lys10904= (NM_001256850.1); c.29931A>G, p.Lys9977= (NM_133378.4); c.13283-37283A>G (NM_003319.4); c.13859-37283A>G (NM_133437.4); c.13658-37283A>G (NM_133432.3).
Identifiers: ClinVar variation 4076890 (VCV004076890.1).

ClinVar aggregate classification (germline): Uncertain significance (1 of 4 stars; one submission).

gnomAD v4.1: 1 of 1,609,628 alleles (0.000062%); highest among the groups gnomAD compares: Admixed American, 0.0017%; no homozygotes.

Submission:

GeneDx
Classification: Uncertain significance. Last evaluated: 2025-02-20. Review status: criteria provided, single submitter. Criteria: GeneDx Variant Classification Process June 2021. Collection method: clinical testing. Allele origin: germline. Affected: yes.
Comment: Not observed at significant frequency in large population cohorts (gnomAD); Has not been previously published as pathogenic or benign to our knowledge; In silico analysis suggests this variant may impact gene splicing. In the absence of RNA/functional studies, the actual effect of this sequence change is unknown.